The following is an entry in ClinVar:

ClinVar aggregate classification (germline): Uncertain significance (1 of 4 stars; one submission).

Conditions:
DICER1-related tumor predisposition. Also called: DICER1 syndrome; DICER1-related pleuropulmonary blastoma cancer predisposition syndrome. Identifiers: Orphanet 284343, MedGen C3839822, MONDO:0100216.

Submission:

Labcorp Genetics (formerly Invitae), Labcorp
Classification: Uncertain significance for DICER1-related tumor predisposition. Last evaluated: 2024-01-13. Review status: criteria provided, single submitter. Criteria: Invitae Variant Classification Sherloc (09022015). Collection method: clinical testing. Allele origin: germline.
Comment: This sequence change replaces phenylalanine, which is neutral and non-polar, with leucine, which is neutral and non-polar, at codon 816 of the DICER1 protein (p.Phe816Leu). This variant is not present in population databases (gnomAD no frequency). This variant has not been reported in the literature in individuals affected with DICER1-related conditions. Advanced modeling of protein sequence and biophysical properties (such as structural, functional, and spatial information, amino acid conservation, physicochemical variation, residue mobility, and thermodynamic stability) performed at Invitae indicates that this missense variant is expected to disrupt DICER1 protein function with a positive predictive value of 80%. In summary, the available evidence is currently insufficient to determine the role of this variant in disease. Therefore, it has been classified as a Variant of Uncertain Significance.

NM_177438.3(DICER1):c.2448T>G (p.Phe816Leu)

Gene: DICER1 (dicer 1, ribonuclease III; minus strand). Cytogenetic location: 14q32.13.
Variant type: single nucleotide variant.
Coding change: c.2448T>G on transcript NM_177438.3 (MANE Select); coding-DNA position 2448, T replaced by G.
Protein change: p.Phe816Leu; replaces phenylalanine 816 with leucine.
Molecular consequence: missense variant. On other transcripts: non-coding transcript variant (6).
Genome position (GRCh38, 1-based): chr14:95,108,082, A>C on the plus strand (T>G on the coding strand, the complement: DICER1 is on the minus strand). VCF-style: chr14-95108082-A-C. GRCh37 (hg19) VCF-style: chr14-95574419-A-C.
Other names: c.2448T>G, p.Phe816Leu (NM_001195573.1, NM_001271282.3, NM_001291628.2 and 13 more transcripts); c.2166T>G, p.Phe722Leu (NM_001395686.1); c.2043T>G, p.Phe681Leu (NM_001395687.1, NM_001395688.1, NM_001395689.1 and 2 more transcripts); c.1881T>G, p.Phe627Leu (NM_001395691.1); c.765T>G, p.Phe255Leu (NM_001395697.1); short protein forms F816L, F722L, F255L, F681L, F627L.
Identifiers: ClinVar variation 2709220 (VCV002709220.3), dbSNP rs1595380895, ClinGen allele CA390882007.
Genomic context (GRCh38, chr14:95,108,082, plus strand): 5'-GAAACCAGACTTCTTCAACTCAATGGATATGGTAACCTCTCCAGAGCGTGTGTACACAGG[A>C]AAGTGTGGAATCTTAGCAAAAGGAAATGTAAAGCACCCCTCAAAATTAACAGGTATTTTA-3'
Protein context (NP_803187.1, residues 806-826): TAKPIPQIPH[Phe816Leu]PVYTRSGEVT